The following is an entry in ClinVar:

ClinVar aggregate classification (germline): Uncertain significance. Review status: criteria provided, multiple submitters, no conflicts (2 of 4 stars). 2 submissions from 2 submitters: Uncertain significance (2). Last evaluated 2023-07-13.

Allele frequency attached by ClinVar (database versions not stated): ExAC 0.00001; gnomAD exomes 0.00001 and 0.00002; gnomAD 0.00002 and 0.00004; TOPMed 0.00002.

Submissions (2):

Blueprint Genetics
Classification: Uncertain significance. Last evaluated: 2023-07-13. Review status: criteria provided, single submitter. Criteria: ACMG Guidelines, 2015. Collection method: clinical testing. Allele origin: germline.

Labcorp Genetics (formerly Invitae), Labcorp
Classification: Uncertain significance. Last evaluated: 2021-09-24. Review status: criteria provided, single submitter. Criteria: Invitae Variant Classification Sherloc (09022015). Collection method: clinical testing. Allele origin: germline.
Comment: This sequence change replaces glycine with arginine at codon 1262 of the PCARE protein (p.Gly1262Arg). The glycine residue is highly conserved and there is a moderate physicochemical difference between glycine and arginine. This variant is present in population databases (rs764839767, ExAC 0.009%). This variant has not been reported in the literature in individuals affected with PCARE-related conditions. Algorithms developed to predict the effect of missense changes on protein structure and function are either unavailable or do not agree on the potential impact of this missense change (SIFT: "Deleterious"; PolyPhen-2: "Benign"; Align-GVGD: "Class C15"). Algorithms developed to predict the effect of sequence changes on RNA splicing suggest that this variant may create or strengthen a splice site. In summary, the available evidence is currently insufficient to determine the role of this variant in disease. Therefore, it has been classified as a Variant of Uncertain Significance.

NM_001029883.3(PCARE):c.3784G>A (p.Gly1262Arg)

Gene: PCARE (photoreceptor cilium actin regulator; minus strand). Cytogenetic location: 2p23.2.
Variant type: single nucleotide variant.
Coding change: c.3784G>A on transcript NM_001029883.3 (MANE Select); coding-DNA position 3784, G replaced by A.
Protein change: p.Gly1262Arg; replaces glycine 1262 with arginine.
Molecular consequence: missense variant.
Genome position (GRCh38, 1-based): chr2:29,064,952, C>T on the plus strand (G>A on the coding strand, the complement: PCARE is on the minus strand). VCF-style: chr2-29064952-C-T. GRCh37 (hg19) VCF-style: chr2-29287818-C-T.
Other names: short protein forms G1262R.
Identifiers: ClinVar variation 1407200 (VCV001407200.7), dbSNP rs764839767, ClinGen allele CA1591830.